The following is an entry in ClinVar:

ClinVar aggregate classification (germline): Uncertain significance. Review status: criteria provided, multiple submitters, no conflicts (2 of 4 stars). 2 submissions from 2 submitters: Uncertain significance (2). Last evaluated 2025-10-24.

Allele frequency attached by ClinVar (database versions not stated): ESP Exome Variant Server 0.00015.
gnomAD v4.1: 278 of 1,613,960 alleles (0.017%); highest among the groups gnomAD compares: Non-Finnish European, 0.023%; no homozygotes.

Submissions (2):

Ambry Genetics
Classification: Uncertain significance. Last evaluated: 2025-10-24. Review status: criteria provided, single submitter. Criteria: Ambry Variant Classification Scheme 2023. Collection method: clinical testing. Allele origin: germline.

Labcorp Genetics (formerly Invitae), Labcorp
Classification: Uncertain significance. Last evaluated: 2023-10-13. Review status: criteria provided, single submitter. Criteria: Invitae Variant Classification Sherloc (09022015). Collection method: clinical testing. Allele origin: germline.
Comment: This sequence change replaces proline, which is neutral and non-polar, with glutamine, which is neutral and polar, at codon 415 of the SHPK protein (p.Pro415Gln). This variant is present in population databases (rs141579629, gnomAD 0.01%). This variant has not been reported in the literature in individuals affected with SHPK-related conditions. ClinVar contains an entry for this variant (Variation ID: 2141874). An algorithm developed to predict the effect of missense changes on protein structure and function (PolyPhen-2) suggests that this variant is likely to be disruptive. In summary, the available evidence is currently insufficient to determine the role of this variant in disease. Therefore, it has been classified as a Variant of Uncertain Significance.

NM_013276.4(SHPK):c.1244C>A (p.Pro415Gln)

Gene: SHPK (sedoheptulokinase; minus strand). Cytogenetic location: 17p13.2.
Variant type: single nucleotide variant.
Coding change: c.1244C>A on transcript NM_013276.4 (MANE Select); coding-DNA position 1244, C replaced by A.
Protein change: p.Pro415Gln; replaces proline 415 with glutamine.
Molecular consequence: missense variant.
Genome position (GRCh38, 1-based): chr17:3,610,753, G>T on the plus strand (C>A on the coding strand, the complement: SHPK is on the minus strand). VCF-style: chr17-3610753-G-T. GRCh37 (hg19) VCF-style: chr17-3514047-G-T.
Other names: c.1244C>A (NM_013276.2); short protein forms P415Q.
Identifiers: ClinVar variation 2141874 (VCV002141874.6), dbSNP rs141579629, ClinGen allele CA8291060.